The following is an entry in ClinVar:

NM_001127222.2(CACNA1A):c.2075A>G (p.Tyr692Cys)

Gene: CACNA1A (calcium voltage-gated channel subunit alpha1 A; minus strand). Cytogenetic location: 19p13.13.
Variant type: single nucleotide variant.
Coding change: c.2075A>G on transcript NM_001127222.2 (MANE Select); coding-DNA position 2075, A replaced by G.
Protein change: p.Tyr692Cys; replaces tyrosine 692 with cysteine.
Molecular consequence: missense variant.
Genome position (GRCh38, 1-based): chr19:13,303,796, T>C on the plus strand (A>G on the coding strand, the complement: CACNA1A is on the minus strand). VCF-style: chr19-13303796-T-C. GRCh37 (hg19) VCF-style: chr19-13414610-T-C.
Other names: c.2078A>G, p.Tyr693Cys (NM_000068.4, NM_001127221.2, NM_001174080.2 and 1 more transcripts); short protein forms Y692C, Y693C.
Identifiers: ClinVar variation 1006448 (VCV001006448.11), dbSNP rs2057841267, ClinGen allele CA404344320.

ClinVar aggregate classification (germline): Uncertain significance. Review status: criteria provided, multiple submitters, no conflicts (2 of 4 stars). 2 submissions from 2 submitters: Uncertain significance (2). Last evaluated 2022-02-02.

Conditions:
Episodic ataxia type 2 (EA2). Also called: ACETAZOLAMIDE-RESPONSIVE HEREDITARY PAROXYSMAL CEREBELLAR ATAXIA; ATAXIA, EPISODIC, WITH NYSTAGMUS; ATAXIA, FAMILIAL PAROXYSMAL; CEREBELLAR ATAXIA, PAROXYSMAL, ACETAZOLAMIDE-RESPONSIVE; CEREBELLOPATHY, HEREDITARY PAROXYSMAL; EPISODIC ATAXIA, NYSTAGMUS-ASSOCIATED. Identifiers: Orphanet 97, MedGen C1720416, MONDO:0007163, OMIM 108500.
Developmental and epileptic encephalopathy, 42 (DEE42A). Also called: Epileptic encephalopathy, early infantile, 42; DEVELOPMENTAL AND EPILEPTIC ENCEPHALOPATHY 42A; EPILEPTIC ENCEPHALOPATHY, EARLY INFANTILE, 42A. Identifiers: MedGen C4310716, MONDO:0014917, OMIM 617106.

Submissions (2):

Victorian Clinical Genetics Services, Murdoch Childrens Research Institute
Classification: Uncertain significance for Episodic ataxia type 2. Last evaluated: 2022-02-02. Review status: criteria provided, single submitter. Criteria: ACMG Guidelines, 2015. Collection method: clinical testing. Allele origin: germline. Inheritance: Autosomal dominant inheritance. Affected: yes.
Comment: Based on the classification scheme VCGS_Germline_v1.3.4, this variant is classified as VUS-3A. Following criteria are met: 0103 - Loss of function and gain of function are known mechanisms of disease in this gene and are associated with CACNA1A-related disease. Episodic ataxia, type 2 (MIM#108500) is caused by variants with a loss of function mechanism (PMID: 28566750). (I) 0107 - This gene is associated with autosomal dominant disease. (I) 0112 - The condition associated with this gene has incomplete penetrance. Reduced penetrance has been reported for patients with episodic ataxia, type 2 (OMIM). (I) 0115 - Variants in this gene are known to have variable expressivity. Two families with episodic ataxia, intellectual disability and/or epilepsy have been reported with intrafamilial variability (PMID: 32910250, PMID: 30142438). (I) 0200 - Variant is predicted to result in a missense amino acid change from tyrosine to cysteine. (I) 0251 - This variant is heterozygous. (I) 0301 - Variant is absent from gnomAD (both v2 and v3). (SP) 0501 - Missense variant consistently predicted to be damaging by multiple in silico tools or highly conserved with a major amino acid change. (SP) 0603 - Missense variant in a region that is highly intolerant to missense variation (high constraint region in DECIPHER). (SP) 0705 - No comparable missense variants have previous evidence for pathogenicity. (I) 0809 - Previous evidence of pathogenicity for this variant is inconclusive. This variant has been previously reported as a VUS (ClinVar). (I) 0905 - No published segregation evidence has been identified for this variant. (I) 1007 - No published functional evidence has been identified for this variant. (I) 1208 - Inheritance information for this variant is not currently available in this individual. (I) Legend: (SP) - Supporting pathogenic, (I) - Information, (SB) - Supporting benign

Labcorp Genetics (formerly Invitae), Labcorp
Classification: Uncertain significance for Developmental and epileptic encephalopathy, 42; Episodic ataxia type 2. Last evaluated: 2021-01-28. Review status: criteria provided, single submitter. Criteria: Invitae Variant Classification Sherloc (09022015). Collection method: clinical testing. Allele origin: germline.
Comment: This variant is not present in population databases (ExAC no frequency). This sequence change replaces tyrosine with cysteine at codon 693 of the CACNA1A protein (p.Tyr693Cys). The tyrosine residue is highly conserved and there is a large physicochemical difference between tyrosine and cysteine. This variant has not been reported in the literature in individuals with CACNA1A-related conditions. Algorithms developed to predict the effect of missense changes on protein structure and function (SIFT, PolyPhen-2, Align-GVGD) all suggest that this variant is likely to be disruptive, but these predictions have not been confirmed by published functional studies and their clinical significance is uncertain. In summary, the available evidence is currently insufficient to determine the role of this variant in disease. Therefore, it has been classified as a Variant of Uncertain Significance.

Literature cited by the submitters: PubMed 28566750 (cited by Victorian Clinical Genetics Services, Murdoch Childrens Research Institute); PubMed 30142438 (cited by Victorian Clinical Genetics Services, Murdoch Childrens Research Institute); PubMed 32910250 (cited by Victorian Clinical Genetics Services, Murdoch Childrens Research Institute).